The following is an entry in ClinVar:

NM_145178.4(ATOH7):c.7T>C (p.Ser3Pro)

Gene: ATOH7 (atonal bHLH transcription factor 7; minus strand). Cytogenetic location: 10q21.3.
Variant type: single nucleotide variant.
Coding change: c.7T>C on transcript NM_145178.4 (MANE Select); coding-DNA position 7, T replaced by C.
Protein change: p.Ser3Pro; replaces serine 3 with proline.
Molecular consequence: missense variant.
Genome position (GRCh38, 1-based): chr10:68,231,671, A>G on the plus strand (T>C on the coding strand, the complement: ATOH7 is on the minus strand). VCF-style: chr10-68231671-A-G. GRCh37 (hg19) VCF-style: chr10-69991428-A-G.
Other names: short protein forms S3P.
Identifiers: ClinVar variation 1949899 (VCV001949899.5), dbSNP rs953948041, ClinGen allele CA208210092.

ClinVar aggregate classification (germline): Uncertain significance (1 of 4 stars; one submission).

Allele frequency attached by ClinVar (database versions not stated): gnomAD exomes below 0.00001; gnomAD 0.00003; TOPMed 0.00005.
gnomAD v4.1: 5 of 1,176,610 alleles (0.00042%); highest among the groups gnomAD compares: African/African-American, 0.0081%; no homozygotes.

Submission:

Labcorp Genetics (formerly Invitae), Labcorp
Classification: Uncertain significance. Last evaluated: 2022-07-17. Review status: criteria provided, single submitter. Criteria: Invitae Variant Classification Sherloc (09022015). Collection method: clinical testing. Allele origin: germline.
Comment: This sequence change replaces serine, which is neutral and polar, with proline, which is neutral and non-polar, at codon 3 of the ATOH7 protein (p.Ser3Pro). This variant is present in population databases (no rsID available, gnomAD 0.02%). This variant has not been reported in the literature in individuals affected with ATOH7-related conditions. Algorithms developed to predict the effect of missense changes on protein structure and function (SIFT, PolyPhen-2, Align-GVGD) all suggest that this variant is likely to be tolerated. In summary, the available evidence is currently insufficient to determine the role of this variant in disease. Therefore, it has been classified as a Variant of Uncertain Significance.